The following is an entry in ClinVar:

ClinVar aggregate classification (germline): Uncertain significance. Review status: criteria provided, multiple submitters, no conflicts (2 of 4 stars). 2 submissions from 2 submitters: Uncertain significance (2). Last evaluated 2023-11-03.

Allele frequency attached by ClinVar (database versions not stated): TOPMed below 0.00001; gnomAD 0.00001; ExAC 0.00002; gnomAD exomes 0.00003.
gnomAD v4.1: 29 of 1,613,944 alleles (0.0018%); highest among the groups gnomAD compares: South Asian, 0.027%; no homozygotes.

Submissions (2):

Blueprint Genetics
Classification: Uncertain significance. Last evaluated: 2023-11-03. Review status: criteria provided, single submitter. Criteria: ACMG Guidelines, 2015. Collection method: clinical testing. Allele origin: germline.

Labcorp Genetics (formerly Invitae), Labcorp
Classification: Uncertain significance. Last evaluated: 2021-12-03. Review status: criteria provided, single submitter. Criteria: Invitae Variant Classification Sherloc (09022015). Collection method: clinical testing. Allele origin: germline.
Comment: This sequence change replaces isoleucine, which is neutral and non-polar, with valine, which is neutral and non-polar, at codon 359 of the IMPG1 protein (p.Ile359Val). This variant is present in population databases (rs758680444, gnomAD 0.02%). This variant has not been reported in the literature in individuals affected with IMPG1-related conditions. Algorithms developed to predict the effect of missense changes on protein structure and function (SIFT, PolyPhen-2, Align-GVGD) all suggest that this variant is likely to be tolerated. Algorithms developed to predict the effect of sequence changes on RNA splicing suggest that this variant may create or strengthen a splice site. In summary, the available evidence is currently insufficient to determine the role of this variant in disease. Therefore, it has been classified as a Variant of Uncertain Significance.

NM_001563.4(IMPG1):c.1075A>G (p.Ile359Val)

Gene: IMPG1 (interphotoreceptor matrix proteoglycan 1; minus strand). Cytogenetic location: 6q14.1.
Variant type: single nucleotide variant.
Coding change: c.1075A>G on transcript NM_001563.4 (MANE Select); coding-DNA position 1075, A replaced by G.
Protein change: p.Ile359Val; replaces isoleucine 359 with valine.
Molecular consequence: missense variant.
Genome position (GRCh38, 1-based): chr6:76,005,347, T>C on the plus strand (A>G on the coding strand, the complement: IMPG1 is on the minus strand). VCF-style: chr6-76005347-T-C. GRCh37 (hg19) VCF-style: chr6-76715064-T-C.
Other names: c.841A>G, p.Ile281Val (NM_001282368.2); short protein forms I281V, I359V.
Identifiers: ClinVar variation 1461660 (VCV001461660.7), dbSNP rs758680444, ClinGen allele CA3898235.
Genomic context (GRCh38, chr6:76,005,347, plus strand): 5'-CATCAGTGAACTGAATTGTCCCCACATCCAAAGATTGTTCTTCCTCTAGTGCTTTGCTGA[T>C]CAGCCTTTTGAGGTCTGTAGCTGTGAGATAGATTTCTGGTTGCTTGTCCTCCTCCATGGT-3'
Protein context (NP_001554.2, residues 349-369): YLTATDLKRL[Ile359Val]SKALEEEQSL